The following is an entry in ClinVar:

NM_006060.6(IKZF1):c.161-8332A>G

Gene: IKZF1 (IKAROS family zinc finger 1; plus strand). Cytogenetic location: 7p12.2.
Variant type: single nucleotide variant.
Coding change: c.161-8332A>G on transcript NM_006060.6 (MANE Select); 8332 bases into the intron before coding-DNA position 161, A replaced by G.
Molecular consequence: intron variant. On other transcripts: missense variant (1).
Genome position (GRCh38, 1-based): chr7:50,368,201, A>G. VCF-style: chr7-50368201-A-G. GRCh37 (hg19) VCF-style: chr7-50435899-A-G.
Other names: c.356A>G (NM_001291845.1); c.356A>G, p.His119Arg (NM_001291845.2); c.161-14339A>G (NM_001291839.2, NM_001291838.2, NM_001220767.2 and 1 more transcripts); c.161-8332A>G (NM_001220765.3, NM_001291837.2, NM_001220768.2 and 1 more transcripts); c.220+136A>G (NM_001291846.2, NM_001291847.2); c.161-19144A>G (NM_001291841.1, NM_001291842.1); c.161-23528A>G (NM_001291843.1, NM_001291844.1); c.161-31717A>G (NM_001291840.1); short protein forms H119R.
Identifiers: ClinVar variation 1012999 (VCV001012999.40), dbSNP rs117111762, ClinGen allele CA4261233.

ClinVar aggregate classification (germline): Conflicting classifications of pathogenicity. Review status: criteria provided, conflicting classifications (1 of 4 stars). 3 submissions from 3 submitters: Uncertain significance (2); Likely benign (1). Last evaluated 2024-11-26.

Conditions:
IKZF1-related disorder. Also called: IKZF1-related condition.

Allele frequency attached by ClinVar (database versions not stated): ExAC 0.00019; 1000 Genomes Project 0.00040; gnomAD exomes 0.00042 and 0.00057; 1000 Genomes Project 30x 0.00047; gnomAD 0.00052 and 0.00054; TOPMed 0.00060.
gnomAD v4.1: 390 of 703,392 alleles (0.055%); highest among the groups gnomAD compares: Non-Finnish European, 0.09%; 2 homozygotes.

Submissions (3):

Blueprint Genetics
Classification: Likely benign. Last evaluated: 2024-11-26. Review status: criteria provided, single submitter. Criteria: ACMG Guidelines, 2015. Collection method: clinical testing. Allele origin: germline.

PreventionGenetics, part of Exact Sciences
Classification: Uncertain significance for IKZF1-related condition. Last evaluated: 2024-10-24. Review status: criteria provided, single submitter. Criteria: ACMG Guidelines, 2015. Collection method: clinical testing. Allele origin: germline.
Comment: The IKZF1 c.356A>G variant is predicted to result in the amino acid substitution p.His119Arg. This variant has been reported in the heterozygous state in an individual with polyarthritis nodosa (Family H, Eskandarian et al. 2019. PubMed ID: 31057532). This variant is reported in 0.082% of alleles in individuals of European (Non-Finnish) descent in gnomAD, including one homozygous individual, which is likely too common to be causative. While this variant may be benign, at this time, the clinical significance of this variant is uncertain due to the absence of conclusive functional and genetic evidence.

CeGaT Center for Human Genetics Tuebingen
Classification: Uncertain significance. Last evaluated: 2020-08-01. Review status: criteria provided, single submitter. Criteria: CeGaT Center For Human Genetics Tuebingen Variant Classification Criteria Version 2. Collection method: clinical testing. Allele origin: germline. Affected: yes. Observed: 1 variant allele.